The following is an entry in ClinVar:

ClinVar aggregate classification (germline): Uncertain significance. Review status: reviewed by expert panel (3 of 4 stars). 2 submissions from 2 submitters: Uncertain significance (1). 1 of the submissions does not count toward it. Last evaluated 2025-03-06.

Conditions:
Glanzmann thrombasthenia. Also called: BLEEDING DISORDER, PLATELET-TYPE, 2; THROMBASTHENIA OF GLANZMANN AND NAEGELI; Thrombasthenia; PLATELET GLYCOPROTEIN IIb-IIIa DEFICIENCY; Glanzmann's thrombasthenia. Identifiers: Orphanet 849, MedGen C0040015, MONDO:0100326.

Allele frequency attached by ClinVar (database versions not stated): gnomAD exomes below 0.00001.
gnomAD v4.1: 1 of 1,605,836 alleles (0.000062%); highest among the groups gnomAD compares: African/African-American, 0.0013%; no homozygotes.

Submissions (2):

ClinGen Platelet Disorders Variant Curation Expert Panel, ClinGen
Classification: Uncertain significance for Glanzmann thrombasthenia. Last evaluated: 2025-03-06. Review status: reviewed by expert panel. Criteria: ClinGen Platelet ACMG Specifications v2-1. Collection method: curation. Allele origin: germline. Inheritance: Autosomal recessive inheritance.
Comment: The NM_000212.3:c.1640G>A variant in ITGB3 is a missense variant predicted to cause substitution of cysteine by tyrosine at amino acid 547 (p.Cys547Tyr). This is a critical cysteine residues for regulation of integrin alphaIIbbeta3 (PMID: 14690453). This variant was reported in the ClinVar Database (ClinVar Variation ID: 850885), but has not yet been reported in the literature in individuals with Glanzmann thrombasthenia. However, another missense variant (c.1639T>G (p.Cys547Gly) in the same codon has been provisionally classified as pathogenic for Glanzmann thrombasthenia by the ClinGen Platelet Disorders VCEP (PM5). The highest population minor allele frequency in gnomAD v4.1 is 0.00001332 (1/75052 alleles) in the African/African-American genetic ancestry group, which is lower than the ClinGen PD VCEP threshold (<0.0001; PM2_Supporting). Additionally, the computational predictor REVEL gives a score of 0.973, which is above the ClinGen Platelet Disorders VCEP threshold of >0.7 and predicts a damaging effect on function (PP3). In summary, due to insufficient evidence, this variant is classified as a variant of uncertain significance for autosomal recessive Glanzmann Thrombasthenia based on the ACMG/AMP criteria applied, as specified by the ClinGen PD-VCEP: PM2_Supporting, PM5, PP3. (VCEP specifications version 2)

Labcorp Genetics (formerly Invitae), Labcorp
Classification: Uncertain significance. Last evaluated: 2019-02-14. Review status: criteria provided, single submitter. Criteria: Invitae Variant Classification Sherloc (09022015). Collection method: clinical testing. Allele origin: germline. Not counted in ClinVar's aggregate classification.
Comment: In summary, the available evidence is currently insufficient to determine the role of this variant in disease. Therefore, it has been classified as a Variant of Uncertain Significance. Algorithms developed to predict the effect of missense changes on protein structure and function (SIFT, PolyPhen-2, Align-GVGD) all suggest that this variant is likely to be disruptive, but these predictions have not been confirmed by published functional studies and their clinical significance is uncertain. This variant has not been reported in the literature in individuals with ITGB3-related conditions. This variant is not present in population databases (ExAC no frequency). This sequence change replaces cysteine with tyrosine at codon 547 of the ITGB3 protein (p.Cys547Tyr). The cysteine residue is highly conserved and there is a large physicochemical difference between cysteine and tyrosine.

NM_000212.3(ITGB3):c.1640G>A (p.Cys547Tyr)

Gene: ITGB3 (integrin subunit beta 3; plus strand). Cytogenetic location: 17q21.32.
Variant type: single nucleotide variant.
Coding change: c.1640G>A on transcript NM_000212.3 (MANE Select); coding-DNA position 1640, G replaced by A.
Protein change: p.Cys547Tyr; replaces cysteine 547 with tyrosine.
Molecular consequence: missense variant.
Genome position (GRCh38, 1-based): chr17:47,292,518, G>A. VCF-style: chr17-47292518-G-A. GRCh37 (hg19) VCF-style: chr17-45369884-G-A.
Other names: NM_000212.3(ITGB3):c.1640G>A; p.Cys547Tyr; short protein forms C547Y.
Identifiers: ClinVar variation 850885 (VCV000850885.13), dbSNP rs2065131166, ClinGen allele CA400030162.
Genomic context (GRCh38, chr17:47,292,518, plus strand): 5'-GCCTCTGTGGTCAATGTGTCTGCCACAGCAGTGACTTTGGCAAGATCACGGGCAAGTACT[G>A]CGAGTGTGACGACTTCTCCTGTGTCCGCTACAAGGGGGAGATGTGCTCAGGTGAGGAGAA-3'
Protein context (NP_000203.2, residues 537-557): SDFGKITGKY[Cys547Tyr]ECDDFSCVRY